The following is an entry in ClinVar:

ClinVar aggregate classification (germline): Uncertain significance (1 of 4 stars; one submission).

Conditions:
Succinate-semialdehyde dehydrogenase deficiency (SSADHD). Also called: Succinic Semialdehyde Dehydrogenase Deficiency; SSADH DEFICIENCY; 4-HYDROXYBUTYRIC ACIDURIA; GABA METABOLIC DEFECT. Identifiers: Orphanet 22, MedGen C0268631, MONDO:0010083, OMIM 271980.

Allele frequency attached by ClinVar (database versions not stated): gnomAD exomes below 0.00001 and 0.00001; gnomAD 0.00001; TOPMed 0.00001.
gnomAD v4.1: 4 of 1,614,086 alleles (0.00025%); highest among the groups gnomAD compares: Non-Finnish European, 0.00034%; no homozygotes.

Submission:

Labcorp Genetics (formerly Invitae), Labcorp
Classification: Uncertain significance for Succinate-semialdehyde dehydrogenase deficiency. Last evaluated: 2018-07-12. Review status: criteria provided, single submitter. Criteria: Invitae Variant Classification Sherloc (09022015). Collection method: clinical testing. Allele origin: germline.
Comment: In summary, the available evidence is currently insufficient to determine the role of this variant in disease. Therefore, it has been classified as a Variant of Uncertain Significance. Algorithms developed to predict the effect of missense changes on protein structure and function (SIFT, PolyPhen-2, Align-GVGD) all suggest that this variant is likely to be tolerated, but these predictions have not been confirmed by published functional studies and their clinical significance is uncertain. This variant has not been reported in the literature in individuals with ALDH5A1-related disease. This variant is not present in population databases (ExAC no frequency). This sequence change replaces aspartic acid with glutamic acid at codon 450 of the ALDH5A1 protein (p.Asp450Glu). The aspartic acid residue is moderately conserved and there is a small physicochemical difference between aspartic acid and glutamic acid.

NM_001080.3(ALDH5A1):c.1350T>A (p.Asp450Glu)

Gene: ALDH5A1 (aldehyde dehydrogenase 5 family member A1; plus strand). Cytogenetic location: 6p22.3.
Variant type: single nucleotide variant.
Coding change: c.1350T>A on transcript NM_001080.3 (MANE Select); coding-DNA position 1350, T replaced by A.
Protein change: p.Asp450Glu; replaces aspartic acid 450 with glutamic acid.
Molecular consequence: missense variant.
Genome position (GRCh38, 1-based): chr6:24,532,125, T>A. VCF-style: chr6-24532125-T-A. GRCh37 (hg19) VCF-style: chr6-24532353-T-A.
Other names: c.1206T>A, p.Asp402Glu (NM_001368954.1); c.1389T>A, p.Asp463Glu (NM_170740.1); short protein forms D463E, D402E, D450E.
Identifiers: ClinVar variation 662498 (VCV000662498.8), dbSNP rs913676708, ClinGen allele CA136113019.